The following is an entry in ClinVar:

NM_003632.3(CNTNAP1):c.2855G>T (p.Gly952Val)

Gene: CNTNAP1 (contactin associated protein 1; plus strand). Cytogenetic location: 17q21.2.
Variant type: single nucleotide variant.
Coding change: c.2855G>T on transcript NM_003632.3 (MANE Select); coding-DNA position 2855, G replaced by T.
Protein change: p.Gly952Val; replaces glycine 952 with valine.
Molecular consequence: missense variant.
Genome position (GRCh38, 1-based): chr17:42,693,399, G>T. VCF-style: chr17-42693399-G-T. GRCh37 (hg19) VCF-style: chr17-40845417-G-T.
Other names: short protein forms G952V.
Identifiers: ClinVar variation 2016563 (VCV002016563.4), dbSNP rs2543800895, ClinGen allele CA399652300.

ClinVar aggregate classification (germline): Uncertain significance (1 of 4 stars; one submission).

Allele frequency attached by ClinVar (database versions not stated): gnomAD exomes below 0.00001.
gnomAD v4.1: 1 of 1,614,202 alleles (0.000062%); highest among the groups gnomAD compares: Non-Finnish European, 0.000085%; no homozygotes.

Submission:

Labcorp Genetics (formerly Invitae), Labcorp
Classification: Uncertain significance. Last evaluated: 2022-07-13. Review status: criteria provided, single submitter. Criteria: Invitae Variant Classification Sherloc (09022015). Collection method: clinical testing. Allele origin: germline.
Comment: Algorithms developed to predict the effect of missense changes on protein structure and function (SIFT, PolyPhen-2, Align-GVGD) all suggest that this variant is likely to be disruptive. This sequence change replaces glycine, which is neutral and non-polar, with valine, which is neutral and non-polar, at codon 952 of the CNTNAP1 protein (p.Gly952Val). This variant is not present in population databases (gnomAD no frequency). This variant has not been reported in the literature in individuals affected with CNTNAP1-related conditions. In summary, the available evidence is currently insufficient to determine the role of this variant in disease. Therefore, it has been classified as a Variant of Uncertain Significance.